The following is an entry in ClinVar:

ClinVar aggregate classification (germline): Pathogenic (1 of 4 stars; one submission).

Conditions:
Epilepsy, familial focal, with variable foci 3 (FFEVF3). Identifiers: MedGen C4310708, MONDO:0014925, OMIM 617118.

Submission:

Labcorp Genetics (formerly Invitae), Labcorp
Classification: Pathogenic for Epilepsy, familial focal, with variable foci 3. Last evaluated: 2022-09-19. Review status: criteria provided, single submitter. Criteria: Invitae Variant Classification Sherloc (09022015). Collection method: clinical testing. Allele origin: germline.
Comment: This variant is a gross deletion of the genomic region encompassing exon(s) 12-14 of the NPRL3 gene, which includes the termination codon. This deletion extends beyond the assayed region for this gene and therefore may encompass additional genes. While this deletion is not anticipated to lead to nonsense mediated decay, it is expected to alter mRNA translation or result in a truncated protein product. This variant has not been reported in the literature in individuals affected with NPRL3-related conditions. For these reasons, this variant has been classified as Pathogenic. This variant disrupts a region of the NPRL3 protein in which other variant(s) (p.Glu508Argfs*46) have been determined to be pathogenic (PMID: 26786403). This suggests that this is a clinically significant region of the protein, and that variants that disrupt it are likely to be disease-causing.

Literature cited by the submitters: PubMed 26786403.

NC_000016.9:g.(?_136705)_(139740_?)del

Gene: NPRL3 (NPR3 like, GATOR1 complex subunit; minus strand). Cytogenetic location: 16p13.3.
Variant type: Deletion.
Identifiers: ClinVar variation 1455252 (VCV001455252.5).